The following is an entry in ClinVar:

ClinVar aggregate classification (germline): Uncertain significance (1 of 4 stars; one submission).

gnomAD v4.1: 3 of 1,614,090 alleles (0.00019%); highest among the groups gnomAD compares: South Asian, 0.0033%; no homozygotes.

Submission:

Labcorp Genetics (formerly Invitae), Labcorp
Classification: Uncertain significance. Last evaluated: 2024-07-20. Review status: criteria provided, single submitter. Criteria: Invitae Variant Classification Sherloc (09022015). Collection method: clinical testing. Allele origin: germline.
Comment: This sequence change replaces glycine, which is neutral and non-polar, with glutamic acid, which is acidic and polar, at codon 930 of the MSH3 protein (p.Gly930Glu). This variant is present in population databases (no rsID available, gnomAD 0.003%). This variant has not been reported in the literature in individuals affected with MSH3-related conditions. An algorithm developed to predict the effect of missense changes on protein structure and function (PolyPhen-2) suggests that this variant is likely to be disruptive. In summary, the available evidence is currently insufficient to determine the role of this variant in disease. Therefore, it has been classified as a Variant of Uncertain Significance.

NM_002439.5(MSH3):c.2789G>A (p.Gly930Glu)

Gene: MSH3 (mutS homolog 3; plus strand). Cytogenetic location: 5q14.1.
Variant type: single nucleotide variant.
Coding change: c.2789G>A on transcript NM_002439.5 (MANE Select); coding-DNA position 2789, G replaced by A.
Protein change: p.Gly930Glu; replaces glycine 930 with glutamic acid.
Molecular consequence: missense variant.
Genome position (GRCh38, 1-based): chr5:80,813,717, G>A. VCF-style: chr5-80813717-G-A. GRCh37 (hg19) VCF-style: chr5-80109536-G-A.
Other names: short protein forms G930E.
Identifiers: ClinVar variation 3714604 (VCV003714604.2).